The following is an entry in ClinVar:

NM_001148.6(ANK2):c.670-27del

Gene: ANK2 (ankyrin 2; plus strand). Cytogenetic location: 4q26.
Variant type: Deletion.
Coding change: c.670-27del on transcript NM_001148.6 (MANE Select); 27 bases into the intron before coding-DNA position 670, one base deleted (T; older notation c.670-27delT).
Molecular consequence: intron variant.
Genome position (GRCh38, 1-based): chr4:113,237,572, T deleted. VCF-style (leftmost placement, unchanged base first): chr4-113237571-CT-C. GRCh37 (hg19) VCF-style: chr4-114158727-CT-C.
Other names: c.658-27del (NM_001386186.2, NM_001386148.2, NM_001354269.3); c.657+400del (NM_001386187.2); c.651+400del (NM_001386147.1, NM_001386160.1, NM_001354261.2); c.607-27del (NM_001354254.2, NM_001354239.2, NM_001354252.2 and 14 more transcripts); c.606+400del (NM_001354249.2, NM_001354266.2, NM_001354276.2 and 16 more transcripts); c.715-27del (NM_001354241.2, NM_001386152.1, NM_001354237.2 and 5 more transcripts); c.670-27del (NM_001354225.2, NM_001354235.2, NM_001354246.2 and 9 more transcripts); c.721-27del (NM_001386174.1); and 1 more.
Identifiers: ClinVar variation 5019302 (VCV005019302.2).

ClinVar aggregate classification (germline): Uncertain significance (1 of 4 stars; one submission).

Conditions:
Cardiac arrhythmia, ankyrin-B-related. Also called: ANKYRIN-B SYNDROME. Identifiers: Orphanet 101016, Orphanet 768, MedGen C1970119, MONDO:0010958, OMIM 600919.

Submission:

Juno Genomics, Hangzhou Juno Genomics, Inc
Classification: Uncertain significance for Cardiac arrhythmia, ankyrin-B-related. Review status: criteria provided, single submitter. Criteria: ACMG Guidelines, 2015. Collection method: clinical testing. Allele origin: germline.
Comment: Absent from controls (or at extremely low frequency if recessive) in Genome Aggregation Database.;Multiple lines of computational evidence support a deleterious effect on the gene or gene product.